The following is an entry in ClinVar:

NM_000256.3(MYBPC3):c.1156_1171dup (p.Asp391delinsGlyThrGlyTer)

Gene: MYBPC3 (myosin binding protein C3; minus strand). Cytogenetic location: 11p11.2.
Variant type: Duplication.
Coding change: c.1156_1171dup on transcript NM_000256.3 (MANE Select); coding-DNA positions 1156 to 1171, 16 bases duplicated (GAACTGGCTGACCATG).
Protein change: p.Asp391delinsGlyThrGlyTer.
Molecular consequence: nonsense.
Genome position (GRCh38, 1-based): chr11:47,343,544-47,343,559, CATGGTCAGCCAGTTC duplicated on the plus strand (GAACTGGCTGACCATG on the coding strand, the reverse complement: MYBPC3 is on the minus strand); duplicating any 16 consecutive bases within chr11:47,343,544-47,343,561 gives the same sequence; the c. name uses the placement nearest the transcript's 3' end. VCF-style (leftmost placement, unchanged base first): chr11-47343543-T-TCATGGTCAGCCAGTTC. GRCh37 (hg19) VCF-style: chr11-47365094-T-TCATGGTCAGCCAGTTC.
Other names: c.1156_1171dup, p.Asp391delinsGlyThrGlyTer (LRG_386t1); c.1156_1171dupGAACTGGCTGACCATG (NM_000256.3).
Identifiers: ClinVar variation 181117 (VCV000181117.1), dbSNP rs730880689, ClinGen allele CA296444.
Genomic context (GRCh38, chr11:47,343,543, plus strand): 5'-AGGCTGCACCTGCCGCTCATCTGGATCTCCTGGCCATTCTTGAGCCATTTGACCTCAGCG[T>TCATGGTCAGCCAGTTC]CATGGTCAGCCAGTTCCACGGTCAGCCGGATCTTGTGGCCTTTGCTCACCTGGTAGGCCG-3'

ClinVar aggregate classification (germline): Pathogenic (1 of 4 stars; one submission).

Conditions:
Cardiomyopathy (CMYO). Also called: Cardiomyopathies. Identifiers: Orphanet 167848, MedGen C0878544, MONDO:0004994, HP:0001638. Inheritance: Various modes of inheritance.

Submission:

GeneDx
Classification: Pathogenic for Cardiomyopathy. Last evaluated: 2012-03-29. Review status: criteria provided, single submitter. Criteria: GeneDx Variant Classification (06012015). Collection method: clinical testing. Allele origin: germline. Affected: yes.
Comment: The c.1156_1171dupGAACTGGCTGACCATG mutation in the MYBPC3 gene causes a shift in reading frame at codon Aspartic acid 391, changing it to a Glycine, and creates a premature Stop codon at position 4 of the new reading frame. Although this mutation has not been reported previously to our knowledge, it is expected to result in an abnormal, truncated protein or in absence of protein from this allele due to mRNA decay. Therefore, c.1156_1171dupGAACTGGCTGACCATG is interpreted to be a disease-causing mutation. The variant is found in HCM panel(s).